The following is an entry in ClinVar:

NM_001142416.2(AIMP1):c.363G>C (p.Lys121Asn)

Gene: AIMP1 (aminoacyl tRNA synthetase complex interacting multifunctional protein 1; plus strand). Cytogenetic location: 4q24.
Variant type: single nucleotide variant.
Coding change: c.363G>C on transcript NM_001142416.2 (MANE Select); coding-DNA position 363, G replaced by C.
Protein change: p.Lys121Asn; replaces lysine 121 with asparagine.
Molecular consequence: missense variant.
Genome position (GRCh38, 1-based): chr4:106,328,215, G>C. VCF-style: chr4-106328215-G-C. GRCh37 (hg19) VCF-style: chr4-107249372-G-C.
Other names: c.363G>C, p.Lys121Asn (NM_001142415.2, NM_004757.4); short protein forms K121N.
Identifiers: ClinVar variation 738323 (VCV000738323.11), dbSNP rs143898497, ClinGen allele CA3035694.
Genomic context (GRCh38, chr4:106,328,215, plus strand): 5'-AGTAACAACCGTATCTTCTGGTACCAAAGAACAGATAAAAGGAGGAACAGGAGACGAAAA[G>C]AAAGCGAAAGAGAAAATTGAAAAGAAAGGTATTTTTGACCTTTAAGCATATTTAGCTCTT-3'
Protein context (NP_001135888.2, residues 111-131): EQIKGGTGDE[Lys121Asn]KAKEKIEKKG

ClinVar aggregate classification (germline): Conflicting classifications of pathogenicity. Review status: criteria provided, conflicting classifications (1 of 4 stars). 3 submissions from 3 submitters: Uncertain significance (1); Likely benign (1). 1 of the submissions does not count toward it. Last evaluated 2025-11-10.

Conditions:
AIMP1-related disorder. Also called: AIMP1-related condition.

Allele frequency attached by ClinVar (database versions not stated): 1000 Genomes Project 30x 0.00062; 1000 Genomes Project 0.00080; ESP Exome Variant Server 0.00092; gnomAD 0.00096; TOPMed 0.00100.
gnomAD v4.1: 264 of 1,611,192 alleles (0.016%); highest among the groups gnomAD compares: African/African-American, 0.3%; no homozygotes.

Submissions (3):

Labcorp Genetics (formerly Invitae), Labcorp
Classification: Likely benign. Last evaluated: 2025-11-10. Review status: criteria provided, single submitter. Criteria: Invitae Variant Classification Sherloc (09022015). Collection method: clinical testing. Allele origin: germline.

Blueprint Genetics
Classification: Uncertain significance. Last evaluated: 2024-07-11. Review status: criteria provided, single submitter. Criteria: ACMG Guidelines, 2015. Collection method: clinical testing. Allele origin: germline.

PreventionGenetics, part of Exact Sciences
Classification: Likely benign for AIMP1-related condition. Last evaluated: 2022-02-28. Review status: no assertion criteria provided. Collection method: clinical testing. Allele origin: germline. Not counted in ClinVar's aggregate classification.
Comment: This variant is classified as likely benign based on ACMG/AMP sequence variant interpretation guidelines (Richards et al. 2015 PMID: 25741868, with internal and published modifications).